The following is an entry in ClinVar:

NM_001353694.2(TIAM1):c.1914G>C (p.Arg638Ser)

Gene: TIAM1 (TIAM Rac1 associated GEF 1; minus strand). Cytogenetic location: 21q22.11.
Variant type: single nucleotide variant.
Coding change: c.1914G>C on transcript NM_001353694.2 (MANE Select); coding-DNA position 1914, G replaced by C.
Protein change: p.Arg638Ser; replaces arginine 638 with serine.
Molecular consequence: missense variant.
Genome position (GRCh38, 1-based): chr21:31,223,487, C>G on the plus strand (G>C on the coding strand, the complement: TIAM1 is on the minus strand). VCF-style: chr21-31223487-C-G. GRCh37 (hg19) VCF-style: chr21-32595803-C-G.
Other names: c.1914G>C, p.Arg638Ser (NM_001353686.2, NM_001353687.2, NM_001353688.1 and 6 more transcripts); short protein forms R638S.
Identifiers: ClinVar variation 4886190 (VCV004886190.2).
Genomic context (GRCh38, chr21:31,223,487, plus strand): 5'-CGAAAAGATTCCAAGGCGGCCCATGGCCACTTTCGTTGGTCGACTTGCAAAAGCGAGAAG[C>G]CTTTTGGGGTTTGGCAGCTCCCCACCCTGAAGGCTGGCTAAATAACAGCGGAAACGAAAC-3'
Protein context (NP_001340623.1, residues 628-648): LQGGELPNPK[Arg638Ser]LLAFASRPTK

ClinVar aggregate classification (germline): Uncertain significance (1 of 4 stars; one submission).

gnomAD v4.1: 19 of 1,613,826 alleles (0.0012%); highest among the groups gnomAD compares: South Asian, 0.0088%; no homozygotes.

Submission:

Dasa
Classification: Uncertain significance. Last evaluated: 2026-03-20. Review status: criteria provided, single submitter. Criteria: DASA Assertion Criteria. Collection method: clinical testing. Allele origin: germline.
Comment: NM_001353694.2(TIAM1):c.1914G>C (p.Arg638Ser) is a missense variant that results in the substitution of arginine with serine. This variant is rare in population databases. The currently available literature and clinical evidence are not sufficient to establish a definitive association between this variant and the reported condition. Therefore, this variant is classified as a variant of uncertain significance.